The following is an entry in ClinVar:

NM_000090.4(COL3A1):c.3230G>T (p.Gly1077Val)

Gene: COL3A1 (collagen type III alpha 1 chain; plus strand). Cytogenetic location: 2q32.2.
Variant type: single nucleotide variant.
Coding change: c.3230G>T on transcript NM_000090.4 (MANE Select); coding-DNA position 3230, G replaced by T.
Protein change: p.Gly1077Val; replaces glycine 1077 with valine.
Molecular consequence: missense variant.
Genome position (GRCh38, 1-based): chr2:189,006,965, G>T. VCF-style: chr2-189006965-G-T. GRCh37 (hg19) VCF-style: chr2-189871691-G-T.
Other names: G910V.
Identifiers: ClinVar variation 17209 (VCV000017209.3), dbSNP rs121912915, ClinGen allele CA006214.

ClinVar aggregate classification (germline): Pathogenic. Review status: criteria provided, single submitter (1 of 4 stars). 3 submissions from 3 submitters: Pathogenic (1). 2 of the submissions do not count toward it. Last evaluated 2024-12-04.

Conditions:
Ehlers-Danlos syndrome, type 4 (EDSVASC). Also called: Ehlers-Danlos syndrome vascular type; Ehlers Danlos syndrome, ecchymotic type; Ehlers Danlos syndrome, arterial type; Ehlers Danlos syndrome, Sack-Barabas type; Ehlers-Danlos Syndrome Type IV. Identifiers: Orphanet 286, MedGen C0268338, MONDO:0017314, OMIM 130050.

Submissions (3):

GeneDx
Classification: Pathogenic. Last evaluated: 2024-12-04. Review status: criteria provided, single submitter. Criteria: GeneDx Variant Classification Process June 2021. Collection method: clinical testing. Allele origin: germline. Affected: yes.
Comment: In silico analysis supports that this missense variant has a deleterious effect on protein structure/function; Not observed at significant frequency in large population cohorts (gnomAD); Occurs in the triple helical domain and replaces the glycine in the canonical Gly-X-Y repeat; missense substitution of a canonical glycine residue is expected to disrupt normal protein folding and function, and this is an established mechanism of disease (HGMD); Also known as p.(G910V); This variant is associated with the following publications: (PMID: 25525159, Borzykh2021[article], 38102934, 1895316, 8019562, 23645670)

OMIM
Classification: Pathogenic for EHLERS-DANLOS SYNDROME, VASCULAR TYPE. Last evaluated: 1992-06-01. Review status: no assertion criteria provided. Collection method: literature only. Allele origin: germline. Not counted in ClinVar's aggregate classification.

Collagen Diagnostic Laboratory, University of Washington
Classification: Pathogenic for Ehlers-Danlos syndrome, type 4. Review status: no assertion criteria provided. Collection method: clinical testing. Allele origin: germline. Affected: yes. Not counted in ClinVar's aggregate classification.

Literature cited by the submitters: PubMed 1895316 (cited by OMIM); PubMed 1619632 (cited by OMIM).